The following is an entry in ClinVar:

NM_001379286.1(ZNF423):c.426G>A (p.Thr142=)

Gene: ZNF423 (zinc finger protein 423; minus strand). Cytogenetic location: 16q12.1.
Variant type: single nucleotide variant.
Coding change: c.426G>A on transcript NM_001379286.1 (MANE Select); coding-DNA position 426, G replaced by A.
Protein change: p.Thr142=; no amino-acid change (threonine 142 retained).
Molecular consequence: synonymous variant.
Genome position (GRCh38, 1-based): chr16:49,638,750, C>T on the plus strand (G>A on the coding strand, the complement: ZNF423 is on the minus strand). VCF-style: chr16-49638750-C-T. GRCh37 (hg19) VCF-style: chr16-49672661-C-T.
Other names: c.402G>A (NM_015069.4); c.222G>A, p.Thr74= (NM_001271620.2); c.51G>A, p.Thr17= (NM_001330533.2); c.402G>A, p.Thr134= (NM_015069.5).
Identifiers: ClinVar variation 716577 (VCV000716577.12), dbSNP rs1040242592, ClinGen allele CA281213750.
Genomic context (GRCh38, chr16:49,638,750, plus strand): 5'-CTTCAAGTAGCTCAAGCGGATGAAGGACTTGTCGCAGAACTGGCAAGGGTATGGCAGGCC[C>T]GTGCCCCCTTCCTCCTCGCCGAGGCCGAGGTCACAACCATCTCCGATCATCTGCGTGGGT-3'
Protein context (NP_001366215.1, residues 132-152): DLGLGEEEGG[Thr142=]GLPYPCQFCD

ClinVar aggregate classification (germline): Likely benign. Review status: criteria provided, single submitter (1 of 4 stars). 2 submissions from 2 submitters: Likely benign (1). 1 of the submissions does not count toward it. Last evaluated 2025-10-13.

Conditions:
Nephronophthisis 14 (NPHP14). Identifiers: Orphanet 2318, MedGen C3539071, MONDO:0013916, OMIM 614844.
ZNF423-related disorder. Also called: ZNF423-related condition.

Allele frequency attached by ClinVar (database versions not stated): gnomAD exomes 0.00001; TOPMed 0.00002; gnomAD 0.00003.
gnomAD v4.1: 24 of 1,613,990 alleles (0.0015%); highest among the groups gnomAD compares: Admixed American, 0.0067%; no homozygotes.

Submissions (2):

Labcorp Genetics (formerly Invitae), Labcorp
Classification: Likely benign for Nephronophthisis 14. Last evaluated: 2025-10-13. Review status: criteria provided, single submitter. Criteria: Invitae Variant Classification Sherloc (09022015). Collection method: clinical testing. Allele origin: germline.

PreventionGenetics, part of Exact Sciences
Classification: Likely benign for ZNF423-related condition. Last evaluated: 2021-04-23. Review status: no assertion criteria provided. Collection method: clinical testing. Allele origin: germline. Not counted in ClinVar's aggregate classification.
Comment: This variant is classified as likely benign based on ACMG/AMP sequence variant interpretation guidelines (Richards et al. 2015 PMID: 25741868, with internal and published modifications).